The following is an entry in ClinVar:

NM_001367624.2(ZNF469):c.697G>A (p.Asp233Asn)

Gene: ZNF469 (zinc finger protein 469; plus strand). Cytogenetic location: 16q24.2.
Variant type: single nucleotide variant.
Coding change: c.697G>A on transcript NM_001367624.2 (MANE Select); coding-DNA position 697, G replaced by A.
Protein change: p.Asp233Asn; replaces aspartic acid 233 with asparagine.
Molecular consequence: missense variant.
Genome position (GRCh38, 1-based): chr16:88,428,167, G>A. VCF-style: chr16-88428167-G-A. GRCh37 (hg19) VCF-style: chr16-88494575-G-A.
Other names: NM_001127464.1:c.697G>A; NM_001127464.2:c.697G>A; short protein forms D233N.
Identifiers: ClinVar variation 1195524 (VCV001195524.10), dbSNP rs538330967, ClinGen allele CA8224612.

ClinVar aggregate classification (germline): Conflicting classifications of pathogenicity. Review status: criteria provided, conflicting classifications (1 of 4 stars). 5 submissions from 5 submitters: Uncertain significance (2); Benign (1); Likely benign (2). Last evaluated 2025-05-14.

Conditions:
Cardiovascular phenotype. Identifiers: MedGen CN230736.
ZNF469-related disorder. Also called: ZNF469-related condition.

Allele frequency attached by ClinVar (database versions not stated): ExAC 0.00007; gnomAD exomes 0.00018; 1000 Genomes Project 0.00020; gnomAD 0.00050 and 0.00053; TOPMed 0.00060; 1000 Genomes Project 30x 0.00078.
gnomAD v4.1: 182 of 1,550,172 alleles (0.012%); highest among the groups gnomAD compares: African/African-American, 0.2%; no homozygotes.

Submissions (5):

Women's Health and Genetics/Laboratory Corporation of America, LabCorp
Classification: Likely benign. Last evaluated: 2025-05-14. Review status: criteria provided, single submitter. Criteria: LabCorp Variant Classification Summary - May 2015. Collection method: clinical testing. Allele origin: germline.
Comment: Variant summary: ZNF469 c.697G>A (p.Asp233Asn) results in a conservative amino acid change in the encoded protein sequence. Algorithms developed to predict the effect of missense changes on protein structure and function are either unavailable or do not agree on the potential impact of this missense change. The variant allele was found at a frequency of 0.00018 in 149294 control chromosomes, predominantly at a frequency of 0.0026 within the African or African-American subpopulation in the gnomAD database. To our knowledge, no occurrence of c.697G>A in individuals affected with Brittle cornea syndrome 1 and no experimental evidence demonstrating its impact on protein function have been reported. ClinVar contains an entry for this variant (Variation ID: 1195524). Based on the evidence outlined above, the variant was classified as likely benign.

GeneDx
Classification: Uncertain significance. Last evaluated: 2024-12-18. Review status: criteria provided, single submitter. Criteria: GeneDx Variant Classification Process June 2021. Collection method: clinical testing. Allele origin: germline. Affected: yes.
Comment: In silico analysis indicates that this missense variant does not alter protein structure/function; Has not been previously published as pathogenic or benign to our knowledge

PreventionGenetics, part of Exact Sciences
Classification: Likely benign for ZNF469-related condition. Last evaluated: 2024-11-27. Review status: criteria provided, single submitter. Criteria: ACMG Guidelines, 2015. Collection method: clinical testing. Allele origin: germline.
Comment: This variant is classified as likely benign based on ACMG/AMP sequence variant interpretation guidelines (Richards et al. 2015 PMID: 25741868, with internal and published modifications).

Labcorp Genetics (formerly Invitae), Labcorp
Classification: Uncertain significance. Last evaluated: 2022-11-01. Review status: criteria provided, single submitter. Criteria: Invitae Variant Classification Sherloc (09022015). Collection method: clinical testing. Allele origin: germline.
Comment: This sequence change replaces aspartic acid, which is acidic and polar, with asparagine, which is neutral and polar, at codon 233 of the ZNF469 protein (p.Asp233Asn). This variant is present in population databases (rs538330967, gnomAD 0.2%). This variant has not been reported in the literature in individuals affected with ZNF469-related conditions. ClinVar contains an entry for this variant (Variation ID: 1195524). Algorithms developed to predict the effect of missense changes on protein structure and function output the following: SIFT: "Tolerated"; PolyPhen-2: "Benign"; Align-GVGD: "Class C0". The asparagine amino acid residue is found in multiple mammalian species, which suggests that this missense change does not adversely affect protein function. In summary, the available evidence is currently insufficient to determine the role of this variant in disease. Therefore, it has been classified as a Variant of Uncertain Significance.

Ambry Genetics
Classification: Benign for Cardiovascular phenotype. Last evaluated: 2020-11-20. Review status: criteria provided, single submitter. Criteria: Ambry Variant Classification Scheme 2023. Collection method: clinical testing. Allele origin: germline.